The following is an entry in ClinVar:

NM_000512.5(GALNS):c.947G>T (p.Gly316Val)

Gene: GALNS (galactosamine (N-acetyl)-6-sulfatase; minus strand). Cytogenetic location: 16q24.3.
Variant type: single nucleotide variant.
Coding change: c.947G>T on transcript NM_000512.5 (MANE Select); coding-DNA position 947, G replaced by T.
Protein change: p.Gly316Val; replaces glycine 316 with valine.
Molecular consequence: missense variant.
Genome position (GRCh38, 1-based): chr16:88,832,053, C>A on the plus strand (G>T on the coding strand, the complement: GALNS is on the minus strand). VCF-style: chr16-88832053-C-A. GRCh37 (hg19) VCF-style: chr16-88898461-C-A.
Other names: c.392G>T, p.Gly131Val (NM_001323543.2); c.965G>T, p.Gly322Val (NM_001323544.2); short protein forms G131V, G316V, G322V.
Identifiers: ClinVar variation 1048308 (VCV001048308.3), dbSNP rs1057518404, ClinGen allele CA397101223.
Genomic context (GRCh38, chr16:88,832,053, plus strand): 5'-CTCACCTGGCCTGCAGTGACGTGCCCTGGCCACCATGCGAGGGCAGGCTCCCTCATCCCT[C>A]CTTCAAACGTGGTCTGCTTCCCACACAGAAAGGGGCCGTTGCTGCCACCTGGGAGAGAGG-3'
Protein context (NP_000503.1, residues 306-326): FLCGKQTTFE[Gly316Val]GMREPALAWW

ClinVar aggregate classification (germline): Uncertain significance (1 of 4 stars; one submission).

Conditions:
Mucopolysaccharidosis, MPS-IV-A (MPS4A). Also called: Mucopolysaccharidosis type IV A; Mucopolysaccharidosis Type IVA; Morquio syndrome A, mild; MORQUIO SYNDROME A; MPS IVA; mucopolysaccharidosis type 4A. Identifiers: Orphanet 309297, Orphanet 582, MedGen C0086651, MONDO:0009659, OMIM 253000.

Submission:

Laboratory of Diagnosis and Therapy of Lysosomal Disorders, University of Padova
Classification: Uncertain significance for Mucopolysaccharidosis, MPS-IV-A. Last evaluated: 2021-02-01. Review status: criteria provided, single submitter. Criteria: ACMG Guidelines, 2015. Collection method: curation. Allele origin: germline. Affected: yes.
Comment: Absent from gnomAD v2.1.1 (PM2_moderate); multiple lines of computational evidence support a deleterious effect on the gene (PP3_supporting)

Literature cited by the submitters: PubMed 20574428; PubMed 34387910.